The following is an entry in ClinVar:

NM_021076.4(NEFH):c.301_342del (p.Leu101_Lys114del)

Gene: NEFH (neurofilament heavy chain; plus strand). Cytogenetic location: 22q12.2.
Variant type: Deletion.
Coding change: c.301_342del on transcript NM_021076.4 (MANE Select); coding-DNA positions 301 to 342, 42 bases deleted.
Protein change: p.Leu101_Lys114del.
Genome position (GRCh38, 1-based): chr22:29,480,563-29,480,604, 42 bases deleted; deleting any 42 consecutive bases within chr22:29,480,561-29,480,604 gives the same sequence; the c. name uses the placement nearest the transcript's 3' end. GRCh37 (hg19): chr22:29,876,552-29,876,593.
Identifiers: ClinVar variation 3365607 (VCV003365607.1).

ClinVar aggregate classification (germline): Uncertain significance (1 of 4 stars; one submission).

Submission:

GeneDx
Classification: Uncertain significance. Last evaluated: 2023-12-17. Review status: criteria provided, single submitter. Criteria: GeneDx Variant Classification Process June 2021. Collection method: clinical testing. Allele origin: germline. Affected: yes.
Comment: Has not been previously published as pathogenic or benign to our knowledge; In-frame deletion of 14 amino acids in a non-repeat region; Not observed at significant frequency in large population cohorts (gnomAD); In silico analysis supports a deleterious effect on protein structure/function